The following is an entry in ClinVar:

ClinVar aggregate classification (germline): Pathogenic. Review status: criteria provided, multiple submitters, no conflicts (2 of 4 stars). 2 submissions from 2 submitters: Pathogenic (2). Last evaluated 2024-03-22.

Conditions:
Hereditary cancer-predisposing syndrome. Also called: Hereditary Cancer Syndrome; Neoplastic Syndromes, Hereditary; Hereditary neoplastic syndrome; Tumor predisposition. Identifiers: Orphanet 140162, MedGen C0027672, MeSH D009386, MONDO:0015356.
Holoprosencephaly 7 (HPE7). Identifiers: Orphanet 2162, MedGen C1835820, MONDO:0012562, OMIM 610828.

Submissions (2):

Human Genetics Bochum, Ruhr University Bochum
Classification: Pathogenic for Holoprosencephaly 7. Last evaluated: 2024-03-22. Review status: criteria provided, single submitter. Criteria: ACMG Guidelines, 2015. Collection method: clinical testing. Allele origin: germline. Affected: yes.
Comment: ACMG criteria used to clasify this variant: PVS1, PM1, PM2_SUP

Ambry Genetics
Classification: Pathogenic for Hereditary cancer-predisposing syndrome. Last evaluated: 2013-08-02. Review status: criteria provided, single submitter. Criteria: Ambry Autosomal Dominant and X-Linked criteria (10/2015). Collection method: clinical testing. Allele origin: germline. Observed: 1 variant allele.
Comment: This alteration is expected to result in loss of function by premature protein truncation or nonsense-mediatedâ€¯mRNAâ€¯decay.â€¯As such, this alteration is interpreted as a disease-causing mutation.

NM_000264.5(PTCH1):c.294C>A (p.Cys98Ter)

Gene: PTCH1 (patched 1; minus strand). Cytogenetic location: 9q22.32.
Variant type: single nucleotide variant.
Coding change: c.294C>A on transcript NM_000264.5 (MANE Select); coding-DNA position 294, C replaced by A.
Protein change: p.Cys98Ter; replaces cysteine 98 with a stop codon.
Molecular consequence: nonsense. On other transcripts: 5 prime UTR variant (4), non-coding transcript variant (1).
Genome position (GRCh38, 1-based): chr9:95,506,507, G>T on the plus strand (C>A on the coding strand, the complement: PTCH1 is on the minus strand). VCF-style: chr9-95506507-G-T. GRCh37 (hg19) VCF-style: chr9-98268789-G-T.
Other names: c.96C>A, p.Cys32Ter (NM_001083602.3, NM_001354919.2); c.291C>A, p.Cys97Ter (NM_001083603.3); c.-160C>A (NM_001083604.3, NM_001083605.3, NM_001083606.3 and 1 more transcripts); c.294C>A, p.Cys98Ter (NM_001354918.2); short protein forms C32*, C98*, C97*.
Identifiers: ClinVar variation 428816 (VCV000428816.4), dbSNP rs1131690968, ClinGen allele CA374120337.